The following is an entry in ClinVar:

ClinVar aggregate classification (germline): Uncertain significance (1 of 4 stars; one submission).

Conditions:
Fanconi anemia (FA). Also called: Fanconi's anemia. Identifiers: Orphanet 84, MedGen C0015625, MeSH D005199, MONDO:0019391.

Submission:

Labcorp Genetics (formerly Invitae), Labcorp
Classification: Uncertain significance for Fanconi anemia. Last evaluated: 2024-08-09. Review status: criteria provided, single submitter. Criteria: Invitae Variant Classification Sherloc (09022015). Collection method: clinical testing. Allele origin: germline.
Comment: This sequence change replaces arginine, which is basic and polar, with leucine, which is neutral and non-polar, at codon 47 of the FANCF protein (p.Arg47Leu). Information on the frequency of this variant in the gnomAD database is not available, as this variant may be reported differently in the database. This variant has not been reported in the literature in individuals affected with FANCF-related conditions. ClinVar contains an entry for this variant (Variation ID: 2147277). An algorithm developed to predict the effect of missense changes on protein structure and function (PolyPhen-2) suggests that this variant is likely to be disruptive. In summary, the available evidence is currently insufficient to determine the role of this variant in disease. Therefore, it has been classified as a Variant of Uncertain Significance.

NM_022725.4(FANCF):c.140_141delinsTT (p.Arg47Leu)

Gene: FANCF (FA complementation group F; minus strand). Cytogenetic location: 11p14.3.
Variant type: Indel.
Coding change: c.140_141delinsTT on transcript NM_022725.4 (MANE Select); coding-DNA positions 140 to 141, GC replaced by TT.
Protein change: p.Arg47Leu; replaces arginine 47 with leucine.
Molecular consequence: missense variant.
Genome position (GRCh38, 1-based): chr11:22,625,670-22,625,671, GC replaced by AA on the plus strand (GC replaced by TT on the coding strand, the reverse complement: FANCF is on the minus strand). VCF-style: chr11-22625670-GC-AA. GRCh37 (hg19) VCF-style: chr11-22647216-GC-AA.
Other names: short protein forms R47L.
Identifiers: ClinVar variation 2147277 (VCV002147277.3), dbSNP rs2494870760, ClinGen allele CA2580082876.